The following is an entry in ClinVar:

ClinVar aggregate classification (germline): Uncertain significance. Review status: criteria provided, single submitter (1 of 4 stars). 2 submissions from 2 submitters: Uncertain significance (1). 1 of the submissions does not count toward it. Last evaluated 2022-09-27.

Conditions:
Cone-rod dystrophy 19 (CORD19). Identifiers: Orphanet 1872, MedGen C4014501, MONDO:0014372, OMIM 615860.

Allele frequency attached by ClinVar (database versions not stated): gnomAD exomes below 0.00001.
gnomAD v4.1: 3 of 1,613,786 alleles (0.00019%); highest among the groups gnomAD compares: Admixed American, 0.0017%; no homozygotes.

Submissions (2):

Labcorp Genetics (formerly Invitae), Labcorp
Classification: Uncertain significance. Last evaluated: 2022-09-27. Review status: criteria provided, single submitter. Criteria: Invitae Variant Classification Sherloc (09022015). Collection method: clinical testing. Allele origin: germline.
Comment: In summary, the available evidence is currently insufficient to determine the role of this variant in disease. Therefore, it has been classified as a Variant of Uncertain Significance. Advanced modeling of protein sequence and biophysical properties (such as structural, functional, and spatial information, amino acid conservation, physicochemical variation, residue mobility, and thermodynamic stability) has been performed at Invitae for this missense variant, however the output from this modeling did not meet the statistical confidence thresholds required to predict the impact of this variant on TTLL5 protein function. ClinVar contains an entry for this variant (Variation ID: 522427). This variant has not been reported in the literature in individuals affected with TTLL5-related conditions. This variant is not present in population databases (gnomAD no frequency). This sequence change replaces glutamic acid, which is acidic and polar, with aspartic acid, which is acidic and polar, at codon 329 of the TTLL5 protein (p.Glu329Asp).

Bioscientia Institut fuer Medizinische Diagnostik GmbH, Sonic Healthcare
Classification: Likely pathogenic for Cone-rod dystrophy 19. Last evaluated: 2017-09-18. Review status: no assertion criteria provided. Collection method: clinical testing. Allele origin: germline. Affected: yes. Not counted in ClinVar's aggregate classification.

NM_015072.5(TTLL5):c.987A>T (p.Glu329Asp)

Gene: TTLL5 (tubulin tyrosine ligase like 5; plus strand). Cytogenetic location: 14q24.3.
Variant type: single nucleotide variant.
Coding change: c.987A>T on transcript NM_015072.5 (MANE Select); coding-DNA position 987, A replaced by T.
Protein change: p.Glu329Asp; replaces glutamic acid 329 with aspartic acid.
Molecular consequence: missense variant.
Genome position (GRCh38, 1-based): chr14:75,720,648, A>T. VCF-style: chr14-75720648-A-T. GRCh37 (hg19) VCF-style: chr14-76186991-A-T.
Other names: short protein forms E329D.
Identifiers: ClinVar variation 522427 (VCV000522427.7), dbSNP rs1555384338, ClinGen allele CA390458755.